The following is an entry in ClinVar:

NM_000271.5(NPC1):c.3232G>T (p.Val1078Leu)

Gene: NPC1 (NPC intracellular cholesterol transporter 1; minus strand). Cytogenetic location: 18q11.2.
Variant type: single nucleotide variant.
Coding change: c.3232G>T on transcript NM_000271.5 (MANE Select); coding-DNA position 3232, G replaced by T.
Protein change: p.Val1078Leu; replaces valine 1078 with leucine.
Molecular consequence: missense variant.
Genome position (GRCh38, 1-based): chr18:23,536,686, C>A on the plus strand (G>T on the coding strand, the complement: NPC1 is on the minus strand). VCF-style: chr18-23536686-C-A. GRCh37 (hg19) VCF-style: chr18-21116650-C-A.
Other names: short protein forms V1078L.
Identifiers: ClinVar variation 3896415 (VCV003896415.3).

ClinVar aggregate classification (germline): Uncertain significance. Review status: criteria provided, multiple submitters, no conflicts (2 of 4 stars). 2 submissions from 2 submitters: Uncertain significance (2). Last evaluated 2026-01-26.

Conditions:
Niemann-Pick disease, type C1. Also called: NEUROVISCERAL STORAGE DISEASE WITH VERTICAL SUPRANUCLEAR OPHTHALMOPLEGIA; NIEMANN-PICK DISEASE WITH CHOLESTEROL ESTERIFICATION BLOCK; NIEMANN-PICK DISEASE WITHOUT SPHINGOMYELINASE DEFICIENCY; NIEMANN-PICK DISEASE, CHRONIC NEURONOPATHIC FORM; NIEMANN-PICK DISEASE, VARIANT TYPE C1. Identifiers: Orphanet 646, MedGen C3179455, MONDO:0009757, OMIM 257220.

gnomAD v4.1: 1 of 1,613,850 alleles (0.000062%); highest among the groups gnomAD compares: East Asian, 0.0022%; no homozygotes.

Submissions (2):

Myriad Genetics, Inc.
Classification: Uncertain significance for Niemann-Pick disease, type C1. Last evaluated: 2026-01-26. Review status: criteria provided, single submitter. Criteria: Myriad Autosomal Dominant, Autosomal Recessive and X-Linked Classification Criteria (2023). Collection method: clinical testing. Allele origin: unknown.
Comment: NM_000271.4(NPC1):c.3232G>T(V1078L) is a missense variant classified as a variant of uncertain significance in the context of Niemann-Pick disease type C1. V1078L has been observed in a case with relevant disease (PMID: 38131230). Relevant functional assessments of this variant are not available in the literature. V1078L has not been observed in referenced population frequency databases. In summary, there is insufficient evidence to classify NM_000271.4(NPC1):c.3232G>T(V1078L) as pathogenic or benign. Please note: this variant was assessed in the context of healthy population screening.

Women's Health and Genetics/Laboratory Corporation of America, LabCorp
Classification: Uncertain significance. Last evaluated: 2025-04-08. Review status: criteria provided, single submitter. Criteria: LabCorp Variant Classification Summary - May 2015. Collection method: clinical testing. Allele origin: germline.
Comment: Variant summary: NPC1 c.3232G>T (p.Val1078Leu) results in a conservative amino acid change in the encoded protein sequence. Four of five in-silico tools predict a damaging effect of the variant on protein function. The variant allele was found at a frequency of 6.2e-07 in 1606854 control chromosomes in the gnomAD database (v4.1 dataset). The available data on variant occurrences in the general population are insufficient to allow any conclusion about variant significance. c.3232G>T has been reported in the literature in at least one individual affected with Niemann-Pick Disease Type C (e.g. Liang_2024). These data do not allow any conclusion about variant significance. To our knowledge, no experimental evidence demonstrating an impact on protein function has been reported. The following publication have been ascertained in the context of this evaluation (PMID: 38131230). No submitters have cited clinical-significance assessments for this variant to ClinVar. Based on the evidence outlined above, the variant was classified as uncertain significance.

Literature cited by the submitters: PubMed 38131230 (cited by Myriad Genetics, Inc. and Women's Health and Genetics/Laboratory Corporation of America, LabCorp).